The following is an entry in ClinVar:

ClinVar aggregate classification (germline): Uncertain significance (1 of 4 stars; one submission).

Conditions:
Dystonic disorder. Also called: Dystonia. Identifiers: MedGen C0013421, MONDO:0003441, HP:0001332.

gnomAD v4.1: 90 of 1,613,966 alleles (0.0056%); highest among the groups gnomAD compares: Non-Finnish European, 0.0069%; no homozygotes.

Submission:

Labcorp Genetics (formerly Invitae), Labcorp
Classification: Uncertain significance for Dystonic disorder. Last evaluated: 2025-08-04. Review status: criteria provided, single submitter. Criteria: Invitae Variant Classification Sherloc (09022015). Collection method: clinical testing. Allele origin: germline.
Comment: This sequence change replaces arginine, which is basic and polar, with histidine, which is basic and polar, at codon 145 of the DRD2 protein (p.Arg145His). This variant is present in population databases (rs200486137, gnomAD 0.008%). This variant has not been reported in the literature in individuals affected with DRD2-related conditions. An algorithm developed to predict the effect of missense changes on protein structure and function (PolyPhen-2) suggests that this variant is likely to be disruptive. In summary, the available evidence is currently insufficient to determine the role of this variant in disease. Therefore, it has been classified as a Variant of Uncertain Significance.

NM_000795.4(DRD2):c.434G>A (p.Arg145His)

Gene: DRD2 (dopamine receptor D2; minus strand). Cytogenetic location: 11q23.2.
Variant type: single nucleotide variant.
Coding change: c.434G>A on transcript NM_000795.4 (MANE Select); coding-DNA position 434, G replaced by A.
Protein change: p.Arg145His; replaces arginine 145 with histidine.
Molecular consequence: missense variant.
Genome position (GRCh38, 1-based): chr11:113,416,961, C>T on the plus strand (G>A on the coding strand, the complement: DRD2 is on the minus strand). VCF-style: chr11-113416961-C-T. GRCh37 (hg19) VCF-style: chr11-113287683-C-T.
Other names: c.431G>A, p.Arg144His (NM_001440368.1); c.434G>A, p.Arg145His (NM_016574.4); short protein forms R144H, R145H.
Identifiers: ClinVar variation 4803857 (VCV004803857.1).